The following is an entry in ClinVar:

NM_002470.4(MYH3):c.1228G>C (p.Glu410Gln)

Gene: MYH3 (myosin heavy chain 3; minus strand). Cytogenetic location: 17p13.1.
Variant type: single nucleotide variant.
Coding change: c.1228G>C on transcript NM_002470.4 (MANE Select); coding-DNA position 1228, G replaced by C.
Protein change: p.Glu410Gln; replaces glutamic acid 410 with glutamine.
Molecular consequence: missense variant.
Genome position (GRCh38, 1-based): chr17:10,644,616, C>G on the plus strand (G>C on the coding strand, the complement: MYH3 is on the minus strand). VCF-style: chr17-10644616-C-G. GRCh37 (hg19) VCF-style: chr17-10547933-C-G.
Other names: short protein forms E410Q.
Identifiers: ClinVar variation 4800681 (VCV004800681.1).

ClinVar aggregate classification (germline): Uncertain significance (1 of 4 stars; one submission).

gnomAD v4.1: 1 of 1,614,206 alleles (0.000062%); highest among the groups gnomAD compares: Non-Finnish European, 0.000085%; no homozygotes.

Submission:

Labcorp Genetics (formerly Invitae), Labcorp
Classification: Uncertain significance. Last evaluated: 2026-02-01. Review status: criteria provided, single submitter. Criteria: Invitae Variant Classification Sherloc (09022015). Collection method: clinical testing. Allele origin: germline.
Comment: This sequence change replaces glutamic acid, which is acidic and polar, with glutamine, which is neutral and polar, at codon 410 of the MYH3 protein (p.Glu410Gln). This variant is not present in population databases (gnomAD no frequency). This variant has not been reported in the literature in individuals affected with MYH3-related conditions. Invitae Evidence Modeling of protein sequence and biophysical properties (such as structural, functional, and spatial information, amino acid conservation, physicochemical variation, residue mobility, and thermodynamic stability) has been performed for this missense variant. However, the output from this modeling did not meet the statistical confidence thresholds required to predict the impact of this variant on MYH3 protein function. In summary, the available evidence is currently insufficient to determine the role of this variant in disease. Therefore, it has been classified as a Variant of Uncertain Significance.